The following is an entry in ClinVar:

NM_001330078.2(NRXN1):c.1158+20C>T

Gene: NRXN1 (neurexin 1; minus strand). Cytogenetic location: 2p16.3.
Variant type: single nucleotide variant.
Coding change: c.1158+20C>T on transcript NM_001330078.2 (MANE Select); 20 bases into the intron after coding-DNA position 1158, C replaced by T.
Molecular consequence: intron variant. On other transcripts: missense variant (3).
Genome position (GRCh38, 1-based): chr2:50,621,206, G>A on the plus strand (C>T on the coding strand, the complement: NRXN1 is on the minus strand). VCF-style: chr2-50621206-G-A. GRCh37 (hg19) VCF-style: chr2-50848344-G-A.
Other names: c.1277C>T, p.Ser426Leu (NM_001135659.3); c.1118C>T, p.Ser373Leu (NM_001330083.2, NM_001330084.2); c.1075-1023C>T (NM_001330096.2, NM_001330087.2); c.1105-1023C>T (NM_001330088.2); c.1155+20C>T (NM_001330093.2); c.1146+20C>T (NM_001330094.2); c.1135-1023C>T (NM_001330095.2, NM_001330082.2, NM_001330077.2); c.1158+20C>T (NM_001330085.2, NM_004801.6, NM_001330086.2); short protein forms S373L, S426L.
Identifiers: ClinVar variation 1179352 (VCV001179352.5), dbSNP rs770777508, ClinGen allele CA1655107.

ClinVar aggregate classification (germline): Conflicting classifications of pathogenicity. Review status: criteria provided, conflicting classifications (1 of 4 stars). 2 submissions from 2 submitters: Uncertain significance (1); Likely benign (1). Last evaluated 2025-09-07.

Conditions:
Pitt-Hopkins-like syndrome 2 (PTHSL2). Identifiers: Orphanet 221150, Orphanet 600663, MedGen C3280479, MONDO:0013690, OMIM 614325.

Allele frequency attached by ClinVar (database versions not stated): gnomAD 0.00001; gnomAD exomes 0.00002; ExAC 0.00004.
gnomAD v4.1: 12 of 1,561,250 alleles (0.00077%); highest among the groups gnomAD compares: South Asian, 0.011%; no homozygotes.

Submissions (2):

Labcorp Genetics (formerly Invitae), Labcorp
Classification: Uncertain significance for Pitt-Hopkins-like syndrome 2. Last evaluated: 2025-09-07. Review status: criteria provided, single submitter. Criteria: Invitae Variant Classification Sherloc (09022015). Collection method: clinical testing. Allele origin: germline.
Comment: This sequence change replaces serine, which is neutral and polar, with leucine, which is neutral and non-polar, at codon 426 of the NRXN1 protein (p.Ser426Leu). The frequency data for this variant in the population databases is considered unreliable, as metrics indicate poor data quality at this position in the gnomAD database. This variant has not been reported in the literature in individuals affected with NRXN1-related conditions. ClinVar contains an entry for this variant (Variation ID: 1179352). An algorithm developed to predict the effect of missense changes on protein structure and function (PolyPhen-2) suggests that this variant is likely to be tolerated. In summary, the available evidence is currently insufficient to determine the role of this variant in disease. Therefore, it has been classified as a Variant of Uncertain Significance.

GeneDx
Classification: Likely benign. Last evaluated: 2019-07-19. Review status: criteria provided, single submitter. Criteria: GeneDx Variant Classification Process June 2021. Collection method: clinical testing. Allele origin: germline. Affected: yes.
Comment: This variant is associated with the following publications: (PMID: 29729524)